The following is an entry in ClinVar:

ClinVar aggregate classification (germline): Uncertain significance. Review status: criteria provided, multiple submitters, no conflicts (2 of 4 stars). 2 submissions from 2 submitters: Uncertain significance (2). Last evaluated 2025-08-17.

Conditions:
Severe early-onset pulmonary alveolar proteinosis due to MARS deficiency. Also called: PULMONARY ALVEOLAR PROTEINOSIS, REUNION ISLAND; Interstitial lung and liver disease. Identifiers: Orphanet 440427, MedGen C4225400, MONDO:0014206, OMIM 615486.
Charcot-Marie-Tooth disease axonal type 2U. Also called: CHARCOT-MARIE-TOOTH NEUROPATHY, TYPE 2U; CHARCOT-MARIE-TOOTH DISEASE, AXONAL, AUTOSOMAL DOMINANT, TYPE 2U. Identifiers: Orphanet 397735, MedGen C4084821, MONDO:0014566, OMIM 616280.

Allele frequency attached by ClinVar (database versions not stated): 1000 Genomes Project 30x 0.00047; gnomAD exomes 0.00007; 1000 Genomes Project 0.00020; TOPMed 0.00026; gnomAD 0.00027 and 0.00031; ESP Exome Variant Server 0.00062; ExAC 0.00007.
gnomAD v4.1: 65 of 1,614,140 alleles (0.004%); highest among the groups gnomAD compares: African/African-American, 0.076%; no homozygotes.

Submissions (2):

Labcorp Genetics (formerly Invitae), Labcorp
Classification: Uncertain significance for Charcot-Marie-Tooth disease axonal type 2U; Severe early-onset pulmonary alveolar proteinosis due to MARS deficiency. Last evaluated: 2025-08-17. Review status: criteria provided, single submitter. Criteria: Invitae Variant Classification Sherloc (09022015). Collection method: clinical testing. Allele origin: germline.
Comment: This sequence change replaces glutamic acid, which is acidic and polar, with glycine, which is neutral and non-polar, at codon 463 of the MARS protein (p.Glu463Gly). This variant is present in population databases (rs149432418, gnomAD 0.1%). This variant has not been reported in the literature in individuals affected with MARS-related conditions. ClinVar contains an entry for this variant (Variation ID: 1307942). An algorithm developed to predict the effect of missense changes on protein structure and function (PolyPhen-2) suggests that this variant is likely to be tolerated. In summary, the available evidence is currently insufficient to determine the role of this variant in disease. Therefore, it has been classified as a Variant of Uncertain Significance.

GeneDx
Classification: Uncertain significance. Last evaluated: 2021-02-15. Review status: criteria provided, single submitter. Criteria: GeneDx Variant Classification Process June 2021. Collection method: clinical testing. Allele origin: germline. Affected: yes.
Comment: In silico analysis, which includes protein predictors and evolutionary conservation, supports a deleterious effect; Has not been previously published as pathogenic or benign to our knowledge

NM_004990.4(MARS1):c.1388A>G (p.Glu463Gly)

Gene: MARS1 (methionyl-tRNA synthetase 1; plus strand). Cytogenetic location: 12q13.3.
Variant type: single nucleotide variant.
Coding change: c.1388A>G on transcript NM_004990.4 (MANE Select); coding-DNA position 1388, A replaced by G.
Protein change: p.Glu463Gly; replaces glutamic acid 463 with glycine.
Molecular consequence: missense variant.
Genome position (GRCh38, 1-based): chr12:57,511,717, A>G. VCF-style: chr12-57511717-A-G. GRCh37 (hg19) VCF-style: chr12-57905500-A-G.
Other names: short protein forms E463G.
Identifiers: ClinVar variation 1307942 (VCV001307942.7), dbSNP rs149432418, ClinGen allele CA6650511.